The following is an entry in ClinVar:

NM_001084.5(PLOD3):c.1964G>A (p.Arg655His)

Gene: PLOD3 (procollagen-lysine,2-oxoglutarate 5-dioxygenase 3; minus strand). Cytogenetic location: 7q22.1.
Variant type: single nucleotide variant.
Coding change: c.1964G>A on transcript NM_001084.5 (MANE Select); coding-DNA position 1964, G replaced by A.
Protein change: p.Arg655His; replaces arginine 655 with histidine.
Molecular consequence: missense variant.
Genome position (GRCh38, 1-based): chr7:101,206,876, C>T on the plus strand (G>A on the coding strand, the complement: PLOD3 is on the minus strand). VCF-style: chr7-101206876-C-T. GRCh37 (hg19) VCF-style: chr7-100850157-C-T.
Other names: short protein forms R655H.
Identifiers: ClinVar variation 1371197 (VCV001371197.5), dbSNP rs756572111, ClinGen allele CA4407437.

ClinVar aggregate classification (germline): Uncertain significance (1 of 4 stars; one submission).

Allele frequency attached by ClinVar (database versions not stated): gnomAD 0.00003; ExAC 0.00004; TOPMed 0.00004; gnomAD exomes 0.00005 and 0.00007.
gnomAD v4.1: 73 of 1,559,924 alleles (0.0047%); highest among the groups gnomAD compares: East Asian, 0.021%; 1 homozygote.

Submission:

Labcorp Genetics (formerly Invitae), Labcorp
Classification: Uncertain significance. Last evaluated: 2024-03-20. Review status: criteria provided, single submitter. Criteria: Invitae Variant Classification Sherloc (09022015). Collection method: clinical testing. Allele origin: germline.
Comment: This sequence change replaces arginine, which is basic and polar, with histidine, which is basic and polar, at codon 655 of the PLOD3 protein (p.Arg655His). This variant is present in population databases (rs756572111, gnomAD 0.06%). This variant has not been reported in the literature in individuals affected with PLOD3-related conditions. ClinVar contains an entry for this variant (Variation ID: 1371197). Advanced modeling of protein sequence and biophysical properties (such as structural, functional, and spatial information, amino acid conservation, physicochemical variation, residue mobility, and thermodynamic stability) performed at Invitae indicates that this missense variant is not expected to disrupt PLOD3 protein function with a negative predictive value of 80%. In summary, the available evidence is currently insufficient to determine the role of this variant in disease. Therefore, it has been classified as a Variant of Uncertain Significance.